The following continues an entry in ClinVar:

NM_007294.4(BRCA1):c.5123C>A (p.Ala1708Glu)

Gene: BRCA1. ClinVar aggregate classification (germline): Pathogenic. Pathogenic (1).

Submissions 38 to 42 of 42:

Sharing Clinical Reports Project (SCRP)
Classification: Pathogenic for Breast-ovarian cancer, familial 1. Last evaluated: 2013-01-29. Review status: no assertion criteria provided. Collection method: clinical testing. Allele origin: germline. Not counted in ClinVar's aggregate classification.

Breast Cancer Information Core (BIC) (BRCA1)
Classification: Pathogenic for Breast-ovarian cancer, familial 1. Last evaluated: 2002-05-29. Review status: no assertion criteria provided. Collection method: clinical testing. Allele origin: germline. Affected: yes. Observed: 46 variant alleles. Not counted in ClinVar's aggregate classification.

Brotman Baty Institute, University of Washington
No classification provided (evidence only). Condition: Breast-ovarian cancer, familial 1. Review status: no classification provided. Collection method: in vitro. Allele origin: not applicable. Functional consequence: functionally_abnormal. Not counted in ClinVar's aggregate classification.
ClinVar note: "not provided" was previously submitted as the classification for the variant. However, the classification appeared to be based only on an observation of functional data so it was converted to no classification on 2025-07-30.

Diagnostic Laboratory, Department of Genetics, University Medical Center Groningen
Classification: Pathogenic for Breast-ovarian cancer, familial, susceptibility to, 1. Review status: no assertion criteria provided. Collection method: clinical testing. Allele origin: germline. Affected: yes. Study: VKGL Data-share Consensus. Not counted in ClinVar's aggregate classification.

Joint Genome Diagnostic Labs from Nijmegen and Maastricht, Radboudumc and MUMC+
Classification: Pathogenic. Review status: no assertion criteria provided. Collection method: clinical testing. Allele origin: germline. Affected: yes. Study: VKGL Data-share Consensus. Not counted in ClinVar's aggregate classification.

Literature cited by the submitters: PubMed 21990134 (cited by Evidence-based Network for the Interpretation of Germline Mutant Alleles (ENIGMA) and Women's Health and Genetics/Laboratory Corporation of America, LabCorp); PubMed 30209399 (cited by 7 submitters); PubMed 18036263 (cited by 3 submitters); PubMed 17924331 (cited by 5 submitters); PubMed 15923272 (cited by 10 submitters); PubMed 17080309 (cited by 9 submitters); PubMed 19404736 (cited by 11 submitters); PubMed 21063910 (cited by 8 submitters); PubMed 11157798 (cited by 7 submitters); PubMed 17305420 (cited by 5 submitters); PubMed 19770520 (cited by 5 submitters); PubMed 20516115 (cited by 5 submitters); PubMed 25748678 (cited by Labcorp Genetics (formerly Invitae), Labcorp and Sema4); PubMed 30257991 (cited by Dasa and Mayo Clinic Laboratories, Mayo Clinic); PubMed 30765603 (cited by Dasa and Mayo Clinic Laboratories, Mayo Clinic); PubMed 32546644 (cited by Dasa and Mayo Clinic Laboratories, Mayo Clinic); PubMed 7939630 (cited by 5 submitters); PubMed 12955716 (cited by 7 submitters); PubMed 29446198 (cited by Dasa and Sema4); PubMed 29907814 (cited by Dasa); PubMed 17925560 (cited by Mayo Clinic Laboratories, Mayo Clinic); PubMed 20215541 (cited by 6 submitters); PubMed 23479189 (cited by 5 submitters); PubMed 26780556 (cited by 3 submitters); PubMed 31853058 (cited by Mayo Clinic Laboratories, Mayo Clinic); PubMed 15235020 (cited by Ambry Genetics); PubMed 17591843 (cited by Ambry Genetics); PubMed 21520273 (cited by Ambry Genetics and Women's Health and Genetics/Laboratory Corporation of America, LabCorp); PubMed 22044689 (cited by Ambry Genetics and Laboratory for Molecular Medicine, Mass General Brigham Personalized Medicine); PubMed 23199084 (cited by Ambry Genetics); PubMed 23867111 (cited by 4 submitters); PubMed 25085752 (cited by Ambry Genetics); PubMed 27272900 (cited by Ambry Genetics and Sema4); PubMed 28477318 (cited by 4 submitters); PubMed 9523200 (cited by 3 submitters); PubMed 10737987 (cited by 3 submitters); PubMed 15340362 (cited by 3 submitters); PubMed 30287823 (cited by All of Us Research Program, National Institutes of Health and Color Diagnostics, LLC DBA Color Health); PubMed 30606148 (cited by 3 submitters); PubMed 33471991 (cited by All of Us Research Program, National Institutes of Health and Color Diagnostics, LLC DBA Color Health); PubMed 34196900 (cited by All of Us Research Program, National Institutes of Health and Color Diagnostics, LLC DBA Color Health); PubMed 34855882 (cited by All of Us Research Program, National Institutes of Health and Color Diagnostics, LLC DBA Color Health); PubMed 23233716 (cited by Quest Diagnostics Nichols Institute San Juan Capistrano); PubMed 11802208 (cited by 3 submitters); PubMed 22399190 (cited by Quest Diagnostics Nichols Institute San Juan Capistrano and Laboratory for Molecular Medicine, Mass General Brigham Personalized Medicine); PubMed 12400015 (cited by Quest Diagnostics Nichols Institute San Juan Capistrano); PubMed 15689452 (cited by Quest Diagnostics Nichols Institute San Juan Capistrano); PubMed 26295337 (cited by Quest Diagnostics Nichols Institute San Juan Capistrano); PubMed 20960228 (cited by Laboratory for Molecular Medicine, Mass General Brigham Personalized Medicine); PubMed 11916966 (cited by Laboratory for Molecular Medicine, Mass General Brigham Personalized Medicine); PubMed 26656232 (cited by Laboratory for Molecular Medicine, Mass General Brigham Personalized Medicine); PubMed 24742220 (cited by Laboratory for Molecular Medicine, Mass General Brigham Personalized Medicine); PubMed 16758124 (cited by Laboratory for Molecular Medicine, Mass General Brigham Personalized Medicine); PubMed 21702907 (cited by Women's Health and Genetics/Laboratory Corporation of America, LabCorp); PubMed 16267036 (cited by Women's Health and Genetics/Laboratory Corporation of America, LabCorp); PubMed 23469205 (cited by Clinical and Functional Genomics Group, A.C.Camargo Cancer Center); PubMed 38922859 (cited by Molecular Oncology, Hospital Universitario Central de Asturias (HUCA)).